The following is an entry in ClinVar:

ClinVar aggregate classification (germline): Benign (1 of 4 stars; one submission).

Allele frequency attached by ClinVar (database versions not stated): gnomAD exomes 0.00132; gnomAD 0.01515 and 0.01630; 1000 Genomes Project 0.01577; 1000 Genomes Project 30x 0.01624; TOPMed 0.01745.
gnomAD v4.1: 4,047 of 1,421,664 alleles (0.28%); highest among the groups gnomAD compares: African/African-American, 5.2%; 92 homozygotes.

Submission:

GeneDx
Classification: Benign. Last evaluated: 2018-06-19. Review status: criteria provided, single submitter. Criteria: GeneDx Variant Classification (06012015). Collection method: clinical testing. Allele origin: germline. Affected: yes.
Comment: This variant is considered likely benign or benign based on one or more of the following criteria: it is a conservative change, it occurs at a poorly conserved position in the protein, it is predicted to be benign by multiple in silico algorithms, and/or has population frequency not consistent with disease.

NM_001378969.1(KCND3):c.1767-72T>C

Gene: KCND3 (potassium voltage-gated channel subfamily D member 3; minus strand). Cytogenetic location: 1p13.2.
Variant type: single nucleotide variant.
Coding change: c.1767-72T>C on transcript NM_001378969.1 (MANE Select); 72 bases into the intron before coding-DNA position 1767, T replaced by C.
Molecular consequence: intron variant.
Genome position (GRCh38, 1-based): chr1:111,776,350, A>G on the plus strand (T>C on the coding strand, the complement: KCND3 is on the minus strand). VCF-style: chr1-111776350-A-G. GRCh37 (hg19) VCF-style: chr1-112318972-A-G.
Other names: c.1710-72T>C (NM_001378970.1, NM_172198.3); c.1767-72T>C (NM_004980.5).
Identifiers: ClinVar variation 679490 (VCV000679490.1), dbSNP rs17028535, ClinGen allele CA10883460.